The following is an entry in ClinVar:

ClinVar aggregate classification (germline): Uncertain significance (1 of 4 stars; one submission).

gnomAD v4.1: 18 of 1,158,768 alleles (0.0016%); highest among the groups gnomAD compares: South Asian, 0.035%; no homozygotes.

Submission:

Ambry Genetics
Classification: Uncertain significance. Last evaluated: 2025-08-28. Review status: criteria provided, single submitter. Criteria: Ambry Variant Classification Scheme 2023. Collection method: clinical testing. Allele origin: germline.
Comment: The p.G123D variant (also known as c.368G>A), located in coding exon 1 of the KCNE5 gene, results from a G to A substitution at nucleotide position 368. The glycine at codon 123 is replaced by aspartic acid, an amino acid with similar properties. This amino acid position is conserved. In addition, this alteration is predicted to be tolerated by in silico analysis. Based on the available evidence, the clinical significance of this variant remains unclear.

NM_012282.4(KCNE5):c.368G>A (p.Gly123Asp)

Gene: KCNE5 (potassium voltage-gated channel subfamily E regulatory subunit 5; minus strand). Cytogenetic location: Xq23.
Variant type: single nucleotide variant.
Coding change: c.368G>A on transcript NM_012282.4 (MANE Select); coding-DNA position 368, G replaced by A.
Protein change: p.Gly123Asp; replaces glycine 123 with aspartic acid.
Molecular consequence: missense variant.
Genome position (GRCh38, 1-based): chrX:109,624,653, C>T on the plus strand (G>A on the coding strand, the complement: KCNE5 is on the minus strand). VCF-style: chrX-109624653-C-T. GRCh37 (hg19) VCF-style: chrX-108867882-C-T.
Other names: short protein forms G123D.
Identifiers: ClinVar variation 4090248 (VCV004090248.1).